The following is an entry in ClinVar:

ClinVar aggregate classification (germline): Likely pathogenic (1 of 4 stars; one submission).

Conditions:
Autosomal recessive limb-girdle muscular dystrophy type 2J (LGMDR10). Also called: Limb-girdle muscular dystrophy, type 2J; MUSCULAR DYSTROPHY, LIMB-GIRDLE, AUTOSOMAL RECESSIVE 10. Identifiers: Orphanet 140922, MedGen C1837342, MONDO:0012127, OMIM 608807.
Dilated cardiomyopathy 1G (CMD1G). Identifiers: Orphanet 154, MedGen C1858763, MONDO:0011400, OMIM 604145.

Submission:

Labcorp Genetics (formerly Invitae), Labcorp
Classification: Likely pathogenic for Dilated cardiomyopathy 1G; Autosomal recessive limb-girdle muscular dystrophy type 2J. Last evaluated: 2024-02-18. Review status: criteria provided, single submitter. Criteria: Invitae Variant Classification Sherloc (09022015). Collection method: clinical testing. Allele origin: germline.
Comment: This sequence change creates a premature translational stop signal (p.Phe26886Leufs*14) in the TTN gene. While this is not anticipated to result in nonsense mediated decay, it is expected to create a truncated TTN protein. This variant is not present in population databases (gnomAD no frequency). This variant has not been reported in the literature in individuals affected with TTN-related conditions. This variant is located in the A band of TTN (PMID: 25589632). Truncating variants in this region are significantly overrepresented in patients affected with dilated cardiomyopathy (PMID: 25589632). Truncating variants in this region have also been reported in individuals affected with autosomal recessive centronuclear myopathy (PMID: 23975875). In summary, the currently available evidence indicates that the variant is pathogenic, but additional data are needed to prove that conclusively. Therefore, this variant has been classified as Likely Pathogenic.

Literature cited by the submitters: PubMed 25589632; PubMed 23975875.

NM_001267550.2(TTN):c.80658del (p.Phe26886fs)

Genes: TTN (titin; minus strand), TTN-AS1 (TTN antisense RNA 1; plus strand). Cytogenetic location: 2q31.2.
Variant type: Deletion.
Coding change: c.80658del on transcript NM_001267550.2 (MANE Select); coding-DNA position 80658, one base deleted (T; older notation c.80658delT).
Protein change: p.Phe26886fs; shifts the reading frame from phenylalanine 26886.
Molecular consequence: frameshift variant.
Genome position (GRCh38, 1-based): chr2:178,565,474, A deleted on the plus strand (T on the coding strand, the reverse complement: TTN is on the minus strand); the first of 3 consecutive A bases (chr2:178,565,474-178,565,476); deleting any one gives the same sequence. VCF-style (leftmost placement, unchanged base first): chr2-178565473-TA-T. GRCh37 (hg19) VCF-style: chr2-179430200-TA-T.
Other names: c.75735del, p.Phe25245fs (NM_001256850.1); c.53463del, p.Phe17821fs (NM_003319.4); c.72954del, p.Phe24318fs (NM_133378.4); c.53838del, p.Phe17946fs (NM_133432.3); c.54039del, p.Phe18013fs (NM_133437.4); short protein forms F17821fs, F17946fs, F18013fs, F24318fs, F25245fs, F26886fs.
Identifiers: ClinVar variation 3754794 (VCV003754794.2).